The following is an entry in ClinVar:

ClinVar aggregate classification (germline): Likely pathogenic (1 of 4 stars; one submission).

Submission:

Dasa
Classification: Likely pathogenic. Last evaluated: 2026-02-12. Review status: criteria provided, single submitter. Criteria: DASA Assertion Criteria. Collection method: clinical testing. Allele origin: germline.
Comment: NM_001040616.3(LINS1):c.1752_1758del (p.Arg584Serfs*16) is a frameshift variant in LINS1 predicted to alter the reading frame and introduce a premature termination codon and is predicted to result in an absent or altered protein product. Loss of function is an established disease mechanism for LINS1-associated disorders. Also, this variant is rare in population databases. Based on the currently available evidence, this variant is classified as likely pathogenic.

NM_001040616.3(LINS1):c.1752_1758del (p.Arg584fs)

Gene: LINS1 (lines homolog 1; minus strand). Cytogenetic location: 15q26.3.
Variant type: Deletion.
Coding change: c.1752_1758del on transcript NM_001040616.3 (MANE Select); coding-DNA positions 1752 to 1758, 7 bases deleted (AGATGTG; older notation c.1752_1758delAGATGTG).
Protein change: p.Arg584fs; shifts the reading frame from arginine 584.
Molecular consequence: frameshift variant. On other transcripts: non-coding transcript variant (3).
Genome position (GRCh38, 1-based): chr15:100,569,754-100,569,760, CACATCT deleted on the plus strand (AGATGTG on the coding strand, the reverse complement: LINS1 is on the minus strand); deleting any 7 consecutive bases within chr15:100,569,754-100,569,761 gives the same sequence; the c. name uses the placement nearest the transcript's 3' end. VCF-style (leftmost placement, unchanged base first): chr15-100569753-ACACATCT-A. GRCh37 (hg19) VCF-style: chr15-101109958-ACACATCT-A.
Other names: c.1005_1011del, p.Arg335fs (NM_001352507.2); c.1599_1605del, p.Arg533fs (NM_001352508.2); short protein forms R335fs, R533fs, R584fs.
Identifiers: ClinVar variation 4886574 (VCV004886574.2).
Genomic context (GRCh38, chr15:100,569,753, plus strand): 5'-TGGACATCACAGCTTTCAGTGGTTCAGAGGGAGCATCGGAAGCCCAGGAGTGCCGAGCAC[ACACATCT>A]CTGTGACTATGAGGAGCAGTCAAACGATGGGGTATTGTTTGGTTGGAGCTTTGGTCTTGG-3'